The following is an entry in ClinVar:

ClinVar aggregate classification (germline): Uncertain significance (1 of 4 stars; one submission).

Conditions:
NRP1-related disorder. Also called: NRP1-related condition.

Submission:

PreventionGenetics, part of Exact Sciences
Classification: Uncertain significance for NRP1-related condition. Last evaluated: 2024-10-11. Review status: criteria provided, single submitter. Criteria: ACMG Guidelines, 2015. Collection method: clinical testing. Allele origin: germline.
Comment: The NRP1 c.530T>A variant is predicted to result in the amino acid substitution p.Val177Asp. To our knowledge, this variant has not been reported in the literature or in a large population database, indicating this variant is rare. At this time, the clinical significance of this variant is uncertain due to the absence of conclusive functional and genetic evidence.

NM_003873.7(NRP1):c.530T>A (p.Val177Asp)

Genes: NRP1 (neuropilin 1; minus strand), LOC126860910 (P300/CBP strongly-dependent group 1 enhancer GRCh37_chr10:33552654-33553853; plus strand). Cytogenetic location: 10p11.22.
Variant type: single nucleotide variant.
Coding change: c.530T>A on transcript NM_003873.7 (MANE Select); coding-DNA position 530, T replaced by A.
Protein change: p.Val177Asp; replaces valine 177 with aspartic acid.
Molecular consequence: missense variant. On other transcripts: non-coding transcript variant (1).
Genome position (GRCh38, 1-based): chr10:33,263,774, A>T on the plus strand (T>A on the coding strand, the complement: NRP1 is on the minus strand). VCF-style: chr10-33263774-A-T. GRCh37 (hg19) VCF-style: chr10-33552702-A-T.
Other names: c.530T>A, p.Val177Asp (NM_001024628.3, NM_001024629.3, NM_001244972.2 and 2 more transcripts); short protein forms V177D.
Identifiers: ClinVar variation 4997754 (VCV004997754.1).
Genomic context (GRCh38, chr10:33,263,774, plus strand): 5'-TCAGGCTCCAGGTCAAAGCTTTCAAATTCCAGGATAATCTCTGACATCTTTGGCACAAAG[A>T]CAATATAAGTGCATTCAAGGCTGTTGGGATATTTTTCAGGGAATCCGGGGGACTTTATCA-3'
Protein context (NP_003864.5, residues 167-187): YPNSLECTYI[Val177Asp]FVPKMSEIIL